The following is an entry in ClinVar:

ClinVar aggregate classification (germline): Uncertain significance (1 of 4 stars; one submission).

Conditions:
MYH7-related disorder. Also called: MYH7-related condition; MYH7-related disease; MYH7-related disorders.

Submission:

PreventionGenetics, part of Exact Sciences
Classification: Uncertain significance for MYH7-related condition. Last evaluated: 2025-05-05. Review status: criteria provided, single submitter. Criteria: ACMG Guidelines, 2015. Collection method: clinical testing. Allele origin: germline.
Comment: The MYH7 c.2519T>G variant is predicted to result in the amino acid substitution p.Leu840Arg. To our knowledge, this variant has not been reported in the literature or in a large population database (gnomAD), indicating this variant is rare. Although we suspect that this variant may be pathogenic, at this time, the clinical significance of this variant is uncertain due to the absence of conclusive functional and genetic evidence.

NM_000257.4(MYH7):c.2519T>G (p.Leu840Arg)

Genes: MYH7 (myosin heavy chain 7; minus strand), LOC126861898 (BRD4-independent group 4 enhancer GRCh37_chr14:23893609-23894808; plus strand). Cytogenetic location: 14q11.2.
Variant type: single nucleotide variant.
Coding change: c.2519T>G on transcript NM_000257.4 (MANE Select); coding-DNA position 2519, T replaced by G.
Protein change: p.Leu840Arg; replaces leucine 840 with arginine.
Molecular consequence: missense variant.
Genome position (GRCh38, 1-based): chr14:23,424,929, A>C on the plus strand (T>G on the coding strand, the complement: MYH7 is on the minus strand). VCF-style: chr14-23424929-A-C. GRCh37 (hg19) VCF-style: chr14-23894138-A-C.
Other names: c.2519T>G, p.Leu840Arg (NM_001407004.1); short protein forms L840R.
Identifiers: ClinVar variation 4999105 (VCV004999105.1).